The following is an entry in ClinVar:

NM_001104631.2(PDE4D):c.397C>T (p.Arg133Trp)

Gene: PDE4D (phosphodiesterase 4D; minus strand). Cytogenetic location: 5q12.1.
Variant type: single nucleotide variant.
Coding change: c.397C>T on transcript NM_001104631.2 (MANE Select); coding-DNA position 397, C replaced by T.
Protein change: p.Arg133Trp; replaces arginine 133 with tryptophan.
Molecular consequence: missense variant. On other transcripts: intron variant (5).
Genome position (GRCh38, 1-based): chr5:59,893,226, G>A on the plus strand (C>T on the coding strand, the complement: PDE4D is on the minus strand). VCF-style: chr5-59893226-G-A. GRCh37 (hg19) VCF-style: chr5-59189053-G-A.
Other names: c.272+95262C>T (NM_001364599.1, NM_001165899.2, NM_001364600.2); c.-240+95262C>T (NM_001349243.2); c.242+95262C>T (NM_001349241.2); short protein forms R133W.
Identifiers: ClinVar variation 2035073 (VCV002035073.5), dbSNP rs866796539, ClinGen allele CA119327154.

ClinVar aggregate classification (germline): Uncertain significance. Review status: criteria provided, multiple submitters, no conflicts (2 of 4 stars). 2 submissions from 2 submitters: Uncertain significance (2). Last evaluated 2025-12-31.

Allele frequency attached by ClinVar (database versions not stated): gnomAD 0.00001.
gnomAD v4.1: 3 of 1,560,466 alleles (0.00019%); highest among the groups gnomAD compares: African/African-American, 0.0014%; no homozygotes.

Submissions (2):

Women's Health and Genetics/Laboratory Corporation of America, LabCorp
Classification: Uncertain significance. Last evaluated: 2025-12-31. Review status: criteria provided, single submitter. Criteria: LabCorp Variant Classification Summary - May 2015. Collection method: clinical testing. Allele origin: germline.
Comment: Variant summary: PDE4D c.397C>T (p.Arg133Trp) results in a non-conservative amino acid change in the encoded protein sequence. Algorithms developed to predict the effect of missense changes on protein structure and function are either unavailable or do not agree on the potential impact of this missense change. The variant allele was found at a frequency of 6.3e-06 in 159060 control chromosomes. The available data on variant occurrences in the general population are insufficient to allow any conclusion about variant significance. To our knowledge, no occurrence of c.397C>T in individuals affected with PDE4D-related conditions and no experimental evidence demonstrating its impact on protein function have been reported. ClinVar contains an entry for this variant (Variation ID: 2035073). Based on the evidence outlined above, the variant was classified as uncertain significance.

Labcorp Genetics (formerly Invitae), Labcorp
Classification: Uncertain significance. Last evaluated: 2022-10-12. Review status: criteria provided, single submitter. Criteria: Invitae Variant Classification Sherloc (09022015). Collection method: clinical testing. Allele origin: germline.
Comment: In summary, the available evidence is currently insufficient to determine the role of this variant in disease. Therefore, it has been classified as a Variant of Uncertain Significance. Algorithms developed to predict the effect of missense changes on protein structure and function (SIFT, PolyPhen-2, Align-GVGD) all suggest that this variant is likely to be tolerated. This variant has not been reported in the literature in individuals affected with PDE4D-related conditions. This variant is present in population databases (no rsID available, gnomAD 0.006%). This sequence change replaces arginine, which is basic and polar, with tryptophan, which is neutral and slightly polar, at codon 133 of the PDE4D protein (p.Arg133Trp).